The following is an entry in ClinVar:

NM_001200.4(BMP2):c.963C>T (p.His321=)

Gene: BMP2 (bone morphogenetic protein 2; plus strand). Cytogenetic location: 20p12.3.
Variant type: single nucleotide variant.
Coding change: c.963C>T on transcript NM_001200.4 (MANE Select); coding-DNA position 963, C replaced by T.
Protein change: p.His321=; no amino-acid change (histidine 321 retained).
Molecular consequence: synonymous variant.
Genome position (GRCh38, 1-based): chr20:6,778,861, C>T. VCF-style: chr20-6778861-C-T. GRCh37 (hg19) VCF-style: chr20-6759508-C-T.
Identifiers: ClinVar variation 2672874 (VCV002672874.26), dbSNP rs202210529, ClinGen allele CA9758771.
Genomic context (GRCh38, chr20:6,778,861, plus strand): 5'-GTACGTGGACTTCAGTGACGTGGGGTGGAATGACTGGATTGTGGCTCCCCCGGGGTATCA[C>T]GCCTTTTACTGCCACGGAGAATGCCCTTTTCCTCTGGCTGATCATCTGAACTCCACTAAT-3'
Protein context (NP_001191.1, residues 311-331): NDWIVAPPGY[His321=]AFYCHGECPF

ClinVar aggregate classification (germline): Likely benign. Review status: criteria provided, multiple submitters, no conflicts (2 of 4 stars). 3 submissions from 3 submitters: Likely benign (3). Last evaluated 2024-11-18.

Allele frequency attached by ClinVar (database versions not stated): gnomAD 0.00002; ExAC 0.00003; gnomAD exomes 0.00003.

Submissions (3):

Blueprint Genetics
Classification: Likely benign. Last evaluated: 2024-11-18. Review status: criteria provided, single submitter. Criteria: ACMG Guidelines, 2015. Collection method: clinical testing. Allele origin: germline.

Labcorp Genetics (formerly Invitae), Labcorp
Classification: Likely benign. Last evaluated: 2024-10-17. Review status: criteria provided, single submitter. Criteria: Invitae Variant Classification Sherloc (09022015). Collection method: clinical testing. Allele origin: germline.

CeGaT Center for Human Genetics Tuebingen
Classification: Likely benign. Last evaluated: 2023-11-01. Review status: criteria provided, single submitter. Criteria: CeGaT Center For Human Genetics Tuebingen Variant Classification Criteria Version 2. Collection method: clinical testing. Allele origin: germline. Affected: yes. Observed: 1 variant allele.
Comment: BMP2: BP4, BP7